The following is an entry in ClinVar:

ClinVar aggregate classification (germline): Uncertain significance. Review status: criteria provided, multiple submitters, no conflicts (2 of 4 stars). 3 submissions from 3 submitters: Uncertain significance (3). Last evaluated 2023-04-30.

Conditions:
Cardiovascular phenotype. Identifiers: MedGen CN230736.
Hypercholesterolemia, familial, 4 (FHCL4). Also called: HYPERCHOLESTEROLEMIA, AUTOSOMAL RECESSIVE, 1; HYPERCHOLESTEROLEMIA, AUTOSOMAL RECESSIVE, 2. Identifiers: Orphanet 391665, MedGen C1863512, MONDO:0011374, OMIM 603813.

Allele frequency attached by ClinVar (database versions not stated): gnomAD exomes below 0.00001; ExAC 0.00001; gnomAD 0.00001; TOPMed 0.00002.
gnomAD v4.1: 2 of 1,613,708 alleles (0.00012%); highest among the groups gnomAD compares: Non-Finnish European, 0.00017%; no homozygotes.

Submissions (3):

Ambry Genetics
Classification: Uncertain significance for Cardiovascular phenotype. Last evaluated: 2023-04-30. Review status: criteria provided, single submitter. Criteria: Ambry Variant Classification Scheme 2023. Collection method: clinical testing. Allele origin: germline.
Comment: The p.V111M variant (also known as c.331G>A), located in coding exon 3 of the LDLRAP1 gene, results from a G to A substitution at nucleotide position 331. The valine at codon 111 is replaced by methionine, an amino acid with highly similar properties. This amino acid position is conserved. In addition, this alteration is predicted to be tolerated by in silico analysis. Since supporting evidence is limited at this time, the clinical significance of this alteration remains unclear.

Genome-Nilou Lab
Classification: Uncertain significance for Hypercholesterolemia, familial, 4. Last evaluated: 2023-04-11. Review status: criteria provided, single submitter. Criteria: ACMG Guidelines, 2015. Collection method: clinical testing. Allele origin: germline. Affected: no.

Labcorp Genetics (formerly Invitae), Labcorp
Classification: Uncertain significance for Hypercholesterolemia, familial, 4. Last evaluated: 2021-09-01. Review status: criteria provided, single submitter. Criteria: Invitae Variant Classification Sherloc (09022015). Collection method: clinical testing. Allele origin: germline.
Comment: This sequence change replaces valine with methionine at codon 111 of the LDLRAP1 protein (p.Val111Met). The valine residue is highly conserved and there is a small physicochemical difference between valine and methionine. This variant is present in population databases (rs746197297, ExAC 0.002%). This variant has not been reported in the literature in individuals affected with LDLRAP1-related conditions. Algorithms developed to predict the effect of missense changes on protein structure and function are either unavailable or do not agree on the potential impact of this missense change (SIFT: "Deleterious"; PolyPhen-2: "Probably Damaging"; Align-GVGD: "Class C0"). In summary, the available evidence is currently insufficient to determine the role of this variant in disease. Therefore, it has been classified as a Variant of Uncertain Significance.

NM_015627.3(LDLRAP1):c.331G>A (p.Val111Met)

Gene: LDLRAP1 (low density lipoprotein receptor adaptor protein 1; plus strand). Cytogenetic location: 1p36.11.
Variant type: single nucleotide variant.
Coding change: c.331G>A on transcript NM_015627.3 (MANE Select); coding-DNA position 331, G replaced by A.
Protein change: p.Val111Met; replaces valine 111 with methionine.
Molecular consequence: missense variant.
Genome position (GRCh38, 1-based): chr1:25,554,959, G>A. VCF-style: chr1-25554959-G-A. GRCh37 (hg19) VCF-style: chr1-25881450-G-A.
Other names: c.331G>A (NM_015627.2); short protein forms V111M.
Identifiers: ClinVar variation 1355931 (VCV001355931.7), dbSNP rs746197297, ClinGen allele CA695501.